The following is an entry in ClinVar:

ClinVar aggregate classification (germline): Uncertain significance (1 of 4 stars; one submission).

Conditions:
Polycystic kidney disease, adult type (PKD1). Also called: Polycystic Kidney, Autosomal Dominant; POLYCYSTIC KIDNEY DISEASE, ADULT, TYPE I; Polycystic Kidney Disease 1, Autosomal Dominant; Polycystic kidney disease 1; Polycystic kidney disease 1, severe; POLYCYSTIC KIDNEY DISEASE 1 WITH OR WITHOUT POLYCYSTIC LIVER DISEASE. Identifiers: MedGen C3149841, MONDO:0008263, OMIM 173900.

Submission:

Victorian Clinical Genetics Services, Murdoch Childrens Research Institute
Classification: Uncertain significance for Polycystic kidney disease, adult type. Last evaluated: 2025-06-18. Review status: criteria provided, single submitter. Criteria: ACMG Guidelines, 2015. Collection method: clinical testing. Allele origin: germline. Affected: yes.
Comment: This variant is classified as VUS-3A. Evidence in support of pathogenic classification: Variant is absent from gnomAD (v2, v3 and v4); This variant has limited previous evidence of pathogenicity in unrelated individual(s). This variant has been reported as likely pathogenic, and observed in at least two unrelated individuals with PKD (LOVD, PMID: 22508176, PMID: 29529603). Additional information: Variant is predicted to result in a missense amino acid change from isoleucine to asparagine; This variant is heterozygous; This gene is associated with autosomal dominant disease. Polycystic kidney disease 1 (MIM#173900) is predominantly caused by monoallelic variants, with rare reports of biallelic variants causing disease (OMIM); Alternative amino acid change(s) at the same position are present in gnomAD (Highest allele count: v4: 2 heterozygote(s), 0 homozygote(s)) ; No published functional evidence has been identified for this variant; Other missense variant(s) comparable to the one identified in this case have inconclusive previous evidence for pathogenicity. These alternative changes (p.(Ile1241Thr), p.(Ile1241Ser)) have been reported as a VUS (LOVD). An additional alternative change (p.(Ile1241Phe)) has been reported as a VUS, and observed in an individual with renal and hepatic cysts (VCGS); Variant is located in the annotated PKD domain (DECIPHER); Missense variant with inconclusive in silico prediction and uninformative conservation; Loss of function is a known mechanism of disease in this gene and is associated with polycystic kidney disease 1 (MIM#173900). - Inheritance information for this variant is not currently available in this individual.

Literature cited by the submitters: PubMed 29529603; PubMed 22508176.

NM_001009944.3(PKD1):c.3722T>A (p.Ile1241Asn)

Gene: PKD1 (polycystin 1, transient receptor potential channel interacting; minus strand). Cytogenetic location: 16p13.3.
Variant type: single nucleotide variant.
Coding change: c.3722T>A on transcript NM_001009944.3 (MANE Select); coding-DNA position 3722, T replaced by A.
Protein change: p.Ile1241Asn; replaces isoleucine 1241 with asparagine.
Molecular consequence: missense variant.
Genome position (GRCh38, 1-based): chr16:2,111,445, A>T on the plus strand (T>A on the coding strand, the complement: PKD1 is on the minus strand). VCF-style: chr16-2111445-A-T. GRCh37 (hg19) VCF-style: chr16-2161446-A-T.
Other names: c.3722T>A, p.Ile1241Asn (NM_000296.4); short protein forms I1241N.
Identifiers: ClinVar variation 4531574 (VCV004531574.1).
Genomic context (GRCh38, chr16:2,111,445, plus strand): 5'-TCCACTGTTGCCTCCGGGCCCGACAGCACGGTGCCGTCCCCCATGTCGAAGGTCCACGTG[A>T]TGTTGTCGCCCGTCTGCACCGCGGCGCTGACCACCACGGGGGCGCCCTGCTCCACGGCCA-3'
Protein context (NP_001009944.3, residues 1231-1251): VSAAVQTGDN[Ile1241Asn]TWTFDMGDGT